The following is an entry in ClinVar:

NC_000008.10:g.(?_87616311)_(87641316_?)del

Gene: CNGB3 (cyclic nucleotide gated channel subunit beta 3; minus strand). Cytogenetic location: 8q21.3.
Variant type: Deletion.
Identifiers: ClinVar variation 2426511 (VCV002426511.4).

ClinVar aggregate classification (germline): Pathogenic (1 of 4 stars; one submission).

Submission:

Labcorp Genetics (formerly Invitae), Labcorp
Classification: Pathogenic. Last evaluated: 2022-03-15. Review status: criteria provided, single submitter. Criteria: Invitae Variant Classification Sherloc (09022015). Collection method: clinical testing. Allele origin: germline.
Comment: For these reasons, this variant has been classified as Pathogenic. This variant has not been reported in the literature in individuals affected with CNGB3-related conditions. This variant is a gross deletion of the genomic region encompassing exon(s) 12-15 of the CNGB3 gene. This deletion is out-of-frame, and is expected to create a premature termination codon and result in an absent or disrupted protein product. Loss-of-function variants in CNGB3 are known to be pathogenic (PMID: 28795510).

Literature cited by the submitters: PubMed 28795510.